The following is an entry in ClinVar:

ClinVar aggregate classification (germline): Conflicting classifications of pathogenicity. Review status: criteria provided, conflicting classifications (1 of 4 stars). 5 submissions from 5 submitters: Uncertain significance (3); Likely benign (2). Last evaluated 2026-01-16.

Conditions:
Colorectal cancer, susceptibility to, 12 (CRCS12). Also called: COLORECTAL CANCER, SUSCEPTIBILITY TO, ON CHROMOSOME 12q24. Identifiers: Orphanet 220460, MedGen C3554460, MONDO:0014038, OMIM 615083.
Hereditary cancer-predisposing syndrome. Also called: Tumor predisposition; Neoplastic Syndromes, Hereditary; Hereditary Cancer Syndrome; Hereditary neoplastic syndrome. Identifiers: Orphanet 140162, MedGen C0027672, MeSH D009386, MONDO:0015356.

Allele frequency attached by ClinVar (database versions not stated): gnomAD 0.00004 and 0.00009; ExAC 0.00008; ESP Exome Variant Server 0.00008; TOPMed 0.00008.
gnomAD v4.1: 62 of 1,613,754 alleles (0.0038%); highest among the groups gnomAD compares: South Asian, 0.037%; 1 homozygote.

Submissions (5):

Labcorp Genetics (formerly Invitae), Labcorp
Classification: Uncertain significance. Last evaluated: 2026-01-16. Review status: criteria provided, single submitter. Criteria: Invitae Variant Classification Sherloc (09022015). Collection method: clinical testing. Allele origin: germline.
Comment: This sequence change replaces valine, which is neutral and non-polar, with isoleucine, which is neutral and non-polar, at codon 1351 of the POLE protein (p.Val1351Ile). This variant is present in population databases (rs138443282, gnomAD 0.04%). This variant has not been reported in the literature in individuals affected with POLE-related conditions. ClinVar contains an entry for this variant (Variation ID: 240499). Invitae Evidence Modeling of protein sequence and biophysical properties (such as structural, functional, and spatial information, amino acid conservation, physicochemical variation, residue mobility, and thermodynamic stability) indicates that this missense variant is not expected to disrupt POLE protein function with a negative predictive value of 80%. In summary, the available evidence is currently insufficient to determine the role of this variant in disease. Therefore, it has been classified as a Variant of Uncertain Significance.

Ambry Genetics
Classification: Likely benign for Hereditary cancer-predisposing syndrome. Last evaluated: 2024-10-17. Review status: criteria provided, single submitter. Criteria: Ambry Variant Classification Scheme 2023. Collection method: clinical testing. Allele origin: germline.

St. Jude Molecular Pathology, St. Jude Children's Research Hospital
Classification: Uncertain significance for Colorectal cancer, susceptibility to, 12. Last evaluated: 2023-10-18. Review status: criteria provided, single submitter. Criteria: St. Jude Assertion Criteria 2020. Collection method: clinical testing. Allele origin: germline.
Comment: The POLE c.4051G>A (p.Val1351Ile) missense change has a maximum subpopulation frequency of 0.035% in gnomAD v2.1.1. The in silico tool predicts a benign effect on protein function, but to our knowledge this prediction has not been confirmed by functional studies. To our knowledge, this variant has not been reported in the literature in individuals with POLE-related disease. In summary, the evidence currently available is insufficient to determine the clinical significance of this variant. It has therefore been classified as of uncertain significance.

GeneDx
Classification: Likely benign. Last evaluated: 2020-09-09. Review status: criteria provided, single submitter. Criteria: GeneDx Variant Classification Process June 2021. Collection method: clinical testing. Allele origin: germline. Affected: yes.
Comment: Has not been previously published as pathogenic or benign to our knowledge

Quest Diagnostics Nichols Institute San Juan Capistrano
Classification: Uncertain significance. Last evaluated: 2018-05-22. Review status: criteria provided, single submitter. Criteria: Quest Diagnostics criteria. Collection method: clinical testing. Allele origin: germline.

NM_006231.4(POLE):c.4051G>A (p.Val1351Ile)

Gene: POLE (DNA polymerase epsilon, catalytic subunit; minus strand). Cytogenetic location: 12q24.33.
Variant type: single nucleotide variant.
Coding change: c.4051G>A on transcript NM_006231.4 (MANE Select); coding-DNA position 4051, G replaced by A.
Protein change: p.Val1351Ile; replaces valine 1351 with isoleucine.
Molecular consequence: missense variant.
Genome position (GRCh38, 1-based): chr12:132,649,027, C>T on the plus strand (G>A on the coding strand, the complement: POLE is on the minus strand). VCF-style: chr12-132649027-C-T. GRCh37 (hg19) VCF-style: chr12-133225613-C-T.
Other names: short protein forms V1351I.
Identifiers: ClinVar variation 240499 (VCV000240499.25), dbSNP rs138443282, ClinGen allele CA6893011.